The following is an entry in ClinVar:

ClinVar aggregate classification (germline): Uncertain significance (1 of 4 stars; one submission).

Conditions:
Hereditary breast ovarian cancer syndrome. Also called: Hereditary breast and ovarian cancer syndrome (HBOC); Hereditary breast and ovarian cancer; Breast and ovarian cancer; Hereditary breast and/or ovarian cancer syndrome; BRCA1- and BRCA2-Associated Hereditary Breast and Ovarian Cancer; Hereditary breast and ovarian cancer syndrome. Identifiers: Orphanet 145, MedGen C0677776, MeSH D061325, MONDO:0003582. Disease mechanism: loss of function.

Submission:

Labcorp Genetics (formerly Invitae), Labcorp
Classification: Uncertain significance for Hereditary breast ovarian cancer syndrome. Last evaluated: 2025-11-10. Review status: criteria provided, single submitter. Criteria: Invitae Variant Classification Sherloc (09022015). Collection method: clinical testing. Allele origin: germline.
Comment: This sequence change replaces arginine, which is basic and polar, with glycine, which is neutral and non-polar, at codon 3381 of the BRCA2 protein (p.Arg3381Gly). This variant is not present in population databases (gnomAD no frequency). This variant has not been reported in the literature in individuals affected with BRCA2-related conditions. Invitae Evidence Modeling of protein sequence and biophysical properties (such as structural, functional, and spatial information, amino acid conservation, physicochemical variation, residue mobility, and thermodynamic stability) indicates that this missense variant is not expected to disrupt BRCA2 protein function with a negative predictive value of 95%. In summary, the available evidence is currently insufficient to determine the role of this variant in disease. Therefore, it has been classified as a Variant of Uncertain Significance.

NM_000059.4(BRCA2):c.10141A>G (p.Arg3381Gly)

Gene: BRCA2 (BRCA2 DNA repair associated; plus strand). Cytogenetic location: 13q13.1.
Variant type: single nucleotide variant.
Coding change: c.10141A>G on transcript NM_000059.4 (MANE Select); coding-DNA position 10141, A replaced by G.
Protein change: p.Arg3381Gly; replaces arginine 3381 with glycine.
Molecular consequence: missense variant. On other transcripts: non-coding transcript variant (1).
Genome position (GRCh38, 1-based): chr13:32,398,654, A>G. VCF-style: chr13-32398654-A-G. GRCh37 (hg19) VCF-style: chr13-32972791-A-G.
Other names: c.10045A>G, p.Arg3349Gly (NM_001406719.1); c.10090A>G, p.Arg3364Gly (NM_001406720.1); c.5209A>G, p.Arg1737Gly (NM_001406721.1); c.3724A>G, p.Arg1242Gly (NM_001406722.1); c.10141A>G, p.Arg3381Gly (NM_001432077.1); short protein forms R1242G, R1737G, R3349G, R3364G, R3381G.
Identifiers: ClinVar variation 4802371 (VCV004802371.1).